The following is an entry in ClinVar:

NM_032634.4(PIGO):c.2890T>C (p.Cys964Arg)

Gene: PIGO (phosphatidylinositol glycan anchor biosynthesis class O; minus strand). Cytogenetic location: 9p13.3.
Variant type: single nucleotide variant.
Coding change: c.2890T>C on transcript NM_032634.4 (MANE Select); coding-DNA position 2890, T replaced by C.
Protein change: p.Cys964Arg; replaces cysteine 964 with arginine.
Molecular consequence: missense variant.
Genome position (GRCh38, 1-based): chr9:35,090,245, A>G on the plus strand (T>C on the coding strand, the complement: PIGO is on the minus strand). VCF-style: chr9-35090245-A-G. GRCh37 (hg19) VCF-style: chr9-35090242-A-G.
Other names: c.1639T>C, p.Cys547Arg (NM_001201484.2, NM_152850.4); short protein forms C547R, C964R.
Identifiers: ClinVar variation 1022370 (VCV001022370.8), dbSNP rs1829353889, ClinGen allele CA373317957.

ClinVar aggregate classification (germline): Uncertain significance (1 of 4 stars; one submission).

Conditions:
Hyperphosphatasia with impaired intellectual development syndrome 2. Also called: Hyperphosphatasia with intellectual disability syndrome 2; GLYCOSYLPHOSPHATIDYLINOSITOL BIOSYNTHESIS DEFECT 6. Identifiers: Orphanet 247262, MedGen C3553637, MONDO:0013882, OMIM 614749.

Submission:

Labcorp Genetics (formerly Invitae), Labcorp
Classification: Uncertain significance for Hyperphosphatasia with impaired intellectual development syndrome 2. Last evaluated: 2022-01-21. Review status: criteria provided, single submitter. Criteria: Invitae Variant Classification Sherloc (09022015). Collection method: clinical testing. Allele origin: germline.
Comment: In summary, the available evidence is currently insufficient to determine the role of this variant in disease. Therefore, it has been classified as a Variant of Uncertain Significance. Algorithms developed to predict the effect of missense changes on protein structure and function (SIFT, PolyPhen-2, Align-GVGD) all suggest that this variant is likely to be tolerated. ClinVar contains an entry for this variant (Variation ID: 1022370). This variant has not been reported in the literature in individuals affected with PIGO-related conditions. This variant is not present in population databases (gnomAD no frequency). This sequence change replaces cysteine, which is neutral and slightly polar, with arginine, which is basic and polar, at codon 964 of the PIGO protein (p.Cys964Arg).